The following is an entry in ClinVar:

NM_005120.3(MED12):c.418G>A (p.Glu140Lys)

Gene: MED12 (mediator complex subunit 12; plus strand). Cytogenetic location: Xq13.1.
Variant type: single nucleotide variant.
Coding change: c.418G>A on transcript NM_005120.3 (MANE Select); coding-DNA position 418, G replaced by A.
Protein change: p.Glu140Lys; replaces glutamic acid 140 with lysine.
Molecular consequence: missense variant.
Genome position (GRCh38, 1-based): chrX:71,120,035, G>A. VCF-style: chrX-71120035-G-A. GRCh37 (hg19) VCF-style: chrX-70339885-G-A.
Other names: short protein forms E140K.
Identifiers: ClinVar variation 4685085 (VCV004685085.1).

ClinVar aggregate classification (germline): Uncertain significance (1 of 4 stars; one submission).

Submission:

GeneDx
Classification: Uncertain significance. Last evaluated: 2025-07-12. Review status: criteria provided, single submitter. Criteria: GeneDx Variant Classification Process June 2021. Collection method: clinical testing. Allele origin: germline. Affected: yes.
Comment: Not observed at significant frequency in large population cohorts (gnomAD); In silico analysis supports that this missense variant has a deleterious effect on protein structure/function; Has not been previously published as pathogenic or benign to our knowledge